The following is an entry in ClinVar:

NM_005562.3(LAMC2):c.219C>A (p.Tyr73Ter)

Gene: LAMC2 (laminin subunit gamma 2; plus strand). Cytogenetic location: 1q25.3.
Variant type: single nucleotide variant.
Coding change: c.219C>A on transcript NM_005562.3 (MANE Select); coding-DNA position 219, C replaced by A.
Protein change: p.Tyr73Ter; replaces tyrosine 73 with a stop codon.
Molecular consequence: nonsense.
Genome position (GRCh38, 1-based): chr1:183,208,020, C>A. VCF-style: chr1-183208020-C-A. GRCh37 (hg19) VCF-style: chr1-183177155-C-A.
Other names: c.219C>A, p.Tyr73Ter (NM_018891.3); short protein forms Y73*.
Identifiers: ClinVar variation 984224 (VCV000984224.3), dbSNP rs1658950895, ClinGen allele CA343670161.

ClinVar aggregate classification (germline): Likely pathogenic (1 of 4 stars; one submission).

Conditions:
Junctional epidermolysis bullosa gravis of Herlitz. Also called: Herlitz-type junctional epidermolysis bullosa; Epidermolysis Bullosa Letalis; EPIDERMOLYSIS BULLOSA, JUNCTIONAL 1B, SEVERE; EPIDERMOLYSIS BULLOSA JUNCTIONALIS, HERLITZ TYPE; EPIDERMOLYSIS BULLOSA, JUNCTIONAL, HERLITZ-PEARSON TYPE; JEB-HERLITZ TYPE. Identifiers: Orphanet 79404, MedGen C0079683, MONDO:0009182, OMIM 226700.

Submission:

Myriad Genetics, Inc.
Classification: Likely pathogenic for Junctional epidermolysis bullosa gravis of Herlitz. Last evaluated: 2019-07-01. Review status: criteria provided, single submitter. Criteria: Myriad Women's Health Autosomal Recessive and X-Linked Classification Criteria (2019). Collection method: clinical testing. Allele origin: unknown.
Comment: NM_005562.2(LAMC2):c.219C>A(Y73*) is expected to be pathogenic in the context of junctional epidermolysis bullosa, LAMC2-related. This variant is predicted to lead to an abnormal or absent protein product due to the creation of a premature termination codon in LAMC2, a gene where loss-of-function variants are known to be pathogenic. Please note: this variant was assessed in the context of healthy population screening.